The following is an entry in ClinVar:

NM_001256470.2(PLEKHA5):c.1162A>G (p.Ser388Gly)

Gene: PLEKHA5 (pleckstrin homology domain containing A5; plus strand). Cytogenetic location: 12p12.3.
Variant type: single nucleotide variant.
Coding change: c.1162A>G on transcript NM_001256470.2 (MANE Select); coding-DNA position 1162, A replaced by G.
Protein change: p.Ser388Gly; replaces serine 388 with glycine.
Molecular consequence: missense variant. On other transcripts: non-coding transcript variant (6).
Genome position (GRCh38, 1-based): chr12:19,274,832, A>G. VCF-style: chr12-19274832-A-G. GRCh37 (hg19) VCF-style: chr12-19427766-A-G.
Other names: c.1162A>G, p.Ser388Gly (NM_001385924.1, NM_001385926.1, NM_001385927.1 and 4 more transcripts); c.1144A>G, p.Ser382Gly (NM_001385925.1, NM_001385928.1, NM_001385930.1 and 11 more transcripts); c.838A>G, p.Ser280Gly (NM_001385933.1, NM_001385939.1, NM_001385942.1); c.820A>G, p.Ser274Gly (NM_001385944.1, NM_001385945.1, NM_001385947.1 and 25 more transcripts); c.715A>G, p.Ser239Gly (NM_001385963.1); c.673A>G, p.Ser225Gly (NM_001385965.1); short protein forms S225G, S239G, S274G, S280G, S382G, S388G.
Identifiers: ClinVar variation 3056093 (VCV003056093.2), dbSNP rs77598867, ClinGen allele CA6472225.

ClinVar aggregate classification (germline): Benign (0 of 4 stars; one submission).

Conditions:
PLEKHA5-related disorder. Also called: PLEKHA5-related condition.

Allele frequency attached by ClinVar (database versions not stated): gnomAD 0.00993; 1000 Genomes Project 30x 0.02467; TOPMed 0.01007; 1000 Genomes Project 0.02696; ExAC 0.01603; ESP Exome Variant Server 0.00661; gnomAD exomes 0.01032.
gnomAD v4.1: 16,896 of 1,614,196 alleles (1%); highest among the groups gnomAD compares: East Asian, 4.1%; 198 homozygotes.

Submission:

PreventionGenetics, part of Exact Sciences
Classification: Benign for PLEKHA5-related condition. Last evaluated: 2019-02-19. Review status: no assertion criteria provided. Collection method: clinical testing. Allele origin: germline.
Comment: This variant is classified as benign based on ACMG/AMP sequence variant interpretation guidelines (Richards et al. 2015 PMID: 25741868, with internal and published modifications).